The following is an entry in ClinVar:

ClinVar aggregate classification (germline): Uncertain significance (1 of 4 stars; one submission).

Conditions:
Tyrosinemia type II (TYRSN2). Also called: KERATOSIS PALMOPLANTARIS WITH CORNEAL DYSTROPHY; OREGON TYPE TYROSINEMIA; TAT DEFICIENCY; TYROSINE AMINOTRANSFERASE DEFICIENCY; TYROSINE TRANSAMINASE DEFICIENCY. Identifiers: Orphanet 28378, MedGen C0268487, MONDO:0010160, OMIM 276600.

gnomAD v4.1: 8 of 1,613,700 alleles (0.0005%); highest among the groups gnomAD compares: Non-Finnish European, 0.00068%; no homozygotes.

Submission:

Labcorp Genetics (formerly Invitae), Labcorp
Classification: Uncertain significance for Tyrosinemia type II. Last evaluated: 2024-09-27. Review status: criteria provided, single submitter. Criteria: Invitae Variant Classification Sherloc (09022015). Collection method: clinical testing. Allele origin: germline.
Comment: This sequence change replaces glycine, which is neutral and non-polar, with glutamic acid, which is acidic and polar, at codon 370 of the TAT protein (p.Gly370Glu). This variant is not present in population databases (gnomAD no frequency). This variant has not been reported in the literature in individuals affected with TAT-related conditions. Invitae Evidence Modeling of protein sequence and biophysical properties (such as structural, functional, and spatial information, amino acid conservation, physicochemical variation, residue mobility, and thermodynamic stability) indicates that this missense variant is expected to disrupt TAT protein function with a positive predictive value of 80%. In summary, the available evidence is currently insufficient to determine the role of this variant in disease. Therefore, it has been classified as a Variant of Uncertain Significance.

NM_000353.3(TAT):c.1109G>A (p.Gly370Glu)

Genes: TAT (tyrosine aminotransferase; minus strand), TAT-AS1 (TAT antisense RNA 1; plus strand). Cytogenetic location: 16q22.2.
Variant type: single nucleotide variant.
Coding change: c.1109G>A on transcript NM_000353.3 (MANE Select); coding-DNA position 1109, G replaced by A.
Protein change: p.Gly370Glu; replaces glycine 370 with glutamic acid.
Molecular consequence: missense variant.
Genome position (GRCh38, 1-based): chr16:71,569,870, C>T on the plus strand (G>A on the coding strand, the complement: TAT is on the minus strand). VCF-style: chr16-71569870-C-T. GRCh37 (hg19) VCF-style: chr16-71603773-C-T.
Other names: short protein forms G370E.
Identifiers: ClinVar variation 3690279 (VCV003690279.2).
Genomic context (GRCh38, chr16:71,569,870, plus strand): 5'-CTTACAACATGCATTGACCTAGTGCCTGCCACCCACATACTCACCATGAGGTACATAGCC[C>T]CAGAAGGGCGGACTGGCCGGAGTCCAGGGATGGCAGCCAACGCCCCATAACAGAGATCAG-3'
Protein context (NP_000344.1, residues 360-380): IPGLRPVRPS[Gly370Glu]AMYLMVGIEM